The following is an entry in ClinVar:

NM_001242.5(CD27):c.30C>T (p.Cys10=)

Genes: CD27-AS1 (CD27 antisense RNA 1; minus strand), CD27 (CD27 molecule; plus strand). Cytogenetic location: 12p13.31.
Variant type: single nucleotide variant.
Coding change: c.30C>T on transcript NM_001242.5 (MANE Select); coding-DNA position 30, C replaced by T.
Protein change: p.Cys10=; no amino-acid change (cysteine 10 retained).
Molecular consequence: synonymous variant.
Genome position (GRCh38, 1-based): chr12:6,445,125, C>T. VCF-style: chr12-6445125-C-T. GRCh37 (hg19) VCF-style: chr12-6554291-C-T.
Other names: p.Cys10=.
Identifiers: ClinVar variation 473872 (VCV000473872.19), dbSNP rs34540052, ClinGen allele CA6406855.
Genomic context (GRCh38, chr12:6,445,125, plus strand): 5'-GGCACAGAAAGGAGCCGCCTGGGCAGGGACCATGGCACGGCCACATCCCTGGTGGCTGTG[C>T]GTTCTGGGGACCCTGGTGGGGCTCTCAGCTACTCCAGCCCCCAAGAGCTGCCCAGAGAGG-3'
Protein context (NP_001233.2, residues 1-20): MARPHPWWL[Cys10=]VLGTLVGLSA

ClinVar aggregate classification (germline): Benign/Likely benign. Review status: criteria provided, multiple submitters, no conflicts (2 of 4 stars). 5 submissions from 5 submitters: Benign (3); Likely benign (1). 1 of the submissions does not count toward it. Last evaluated 2026-01-27.

Conditions:
Autoinflammatory syndrome. Identifiers: Orphanet 93665, MedGen C3890737, MONDO:0019751.
CD27-related disorder. Also called: CD27-related condition.
Lymphoproliferative syndrome 2 (LPFS2). Also called: CD27 DEFICIENCY; Combined immunodeficiency due to CD27 deficiency. Identifiers: Orphanet 238505, MedGen C3554540, MONDO:0014054, OMIM 615122.

Allele frequency attached by ClinVar (database versions not stated): gnomAD exomes 0.00084 and 0.00216; ExAC 0.00343; ESP Exome Variant Server 0.00838; gnomAD 0.00880 and 0.00937; TOPMed 0.00957; 1000 Genomes Project 0.01198; 1000 Genomes Project 30x 0.01249.

Submissions (5):

Labcorp Genetics (formerly Invitae), Labcorp
Classification: Benign for Lymphoproliferative syndrome 2. Last evaluated: 2026-01-27. Review status: criteria provided, single submitter. Criteria: Invitae Variant Classification Sherloc (09022015). Collection method: clinical testing. Allele origin: germline.

Mayo Clinic Laboratories, Mayo Clinic
Classification: Benign. Last evaluated: 2023-12-15. Review status: criteria provided, single submitter. Criteria: ACMG Guidelines, 2015. Collection method: clinical testing. Allele origin: germline. Observed: 5 variant alleles.
Comment: BS1, BS2, BP4, BP7

Genome Diagnostics Laboratory, The Hospital for Sick Children
Classification: Likely benign for Autoinflammatory syndrome. Last evaluated: 2021-09-21. Review status: criteria provided, single submitter. Criteria: ACMG Guidelines, 2015. Collection method: clinical testing. Allele origin: germline. Affected: yes.

Breakthrough Genomics
Classification: Benign. Review status: criteria provided, single submitter. Criteria: ACMG Guidelines, 2015. Collection method: not provided. Allele origin: germline. Inheritance: Autosomal recessive inheritance. Affected: yes.

PreventionGenetics, part of Exact Sciences
Classification: Benign for CD27-related condition. Last evaluated: 2024-01-23. Review status: no assertion criteria provided. Collection method: clinical testing. Allele origin: germline. Not counted in ClinVar's aggregate classification.
Comment: This variant is classified as benign based on ACMG/AMP sequence variant interpretation guidelines (Richards et al. 2015 PMID: 25741868, with internal and published modifications).